The following is an entry in ClinVar:

ClinVar aggregate classification (germline): Uncertain significance (1 of 4 stars; one submission).

Allele frequency attached by ClinVar (database versions not stated): gnomAD 0.00001; TOPMed 0.00002; ExAC 0.00003; gnomAD exomes 0.00003 and 0.00007.
gnomAD v4.1: 98 of 1,613,932 alleles (0.0061%); highest among the groups gnomAD compares: Non-Finnish European, 0.0082%; no homozygotes.

Submission:

Labcorp Genetics (formerly Invitae), Labcorp
Classification: Uncertain significance. Last evaluated: 2022-01-27. Review status: criteria provided, single submitter. Criteria: Invitae Variant Classification Sherloc (09022015). Collection method: clinical testing. Allele origin: germline.
Comment: In summary, the available evidence is currently insufficient to determine the role of this variant in disease. Therefore, it has been classified as a Variant of Uncertain Significance. Experimental studies have shown that this missense change affects SLC34A1 function (PMID: 29924459). Algorithms developed to predict the effect of missense changes on protein structure and function are either unavailable or do not agree on the potential impact of this missense change (SIFT: "Deleterious"; PolyPhen-2: "Probably Damaging"; Align-GVGD: "Class C0"). This missense change has been observed in individual(s) with SLC34A1-related conditions ‚Äã (PMID: 26787776, 29924459). This variant is present in population databases (no rsID available, gnomAD 0.006%). This sequence change replaces isoleucine, which is neutral and non-polar, with asparagine, which is neutral and polar, at codon 456 of the SLC34A1 protein (p.Ile456Asn).

Literature cited by the submitters: PubMed 29924459; PubMed 26787776.

NM_003052.5(SLC34A1):c.1367T>A (p.Ile456Asn)

Gene: SLC34A1 (solute carrier family 34 member 1; plus strand). Cytogenetic location: 5q35.3.
Variant type: single nucleotide variant.
Coding change: c.1367T>A on transcript NM_003052.5 (MANE Select); coding-DNA position 1367, T replaced by A.
Protein change: p.Ile456Asn; replaces isoleucine 456 with asparagine.
Molecular consequence: missense variant.
Genome position (GRCh38, 1-based): chr5:177,397,025, T>A. VCF-style: chr5-177397025-T-A. GRCh37 (hg19) VCF-style: chr5-176824026-T-A.
Other names: short protein forms I456N.
Identifiers: ClinVar variation 1476177 (VCV001476177.6), dbSNP rs913836149, ClinGen allele CA3580765.